The following is an entry in ClinVar:

NM_001034116.2(EIF2B4):c.691C>T (p.Arg231Cys)

Gene: EIF2B4 (eukaryotic translation initiation factor 2B subunit delta; minus strand). Cytogenetic location: 2p23.3.
Variant type: single nucleotide variant.
Coding change: c.691C>T on transcript NM_001034116.2 (MANE Select); coding-DNA position 691, C replaced by T.
Protein change: p.Arg231Cys; replaces arginine 231 with cysteine.
Molecular consequence: missense variant.
Genome position (GRCh38, 1-based): chr2:27,368,039, G>A on the plus strand (C>T on the coding strand, the complement: EIF2B4 is on the minus strand). VCF-style: chr2-27368039-G-A. GRCh37 (hg19) VCF-style: chr2-27590906-G-A.
Other names: c.754C>T, p.Arg252Cys (NM_001318965.2); c.646C>T, p.Arg216Cys (NM_001318966.2); c.598C>T, p.Arg200Cys (NM_001318967.2); c.106C>T, p.Arg36Cys (NM_001318968.2); c.73C>T, p.Arg25Cys (NM_001318969.2); c.688C>T, p.Arg230Cys (NM_015636.4); c.751C>T, p.Arg251Cys (NM_172195.4); short protein forms R200C, R216C, R230C, R231C, R251C, R252C, R25C, R36C.
Identifiers: ClinVar variation 1684073 (VCV001684073.3), dbSNP rs1332104737, ClinGen allele CA346200117.

ClinVar aggregate classification (germline): Uncertain significance (1 of 4 stars; one submission).

Allele frequency attached by ClinVar (database versions not stated): gnomAD exomes 0.00001; TOPMed 0.00001.
gnomAD v4.1: 11 of 1,589,508 alleles (0.00069%); highest among the groups gnomAD compares: Non-Finnish European, 0.00094%; no homozygotes.

Submission:

GeneDx
Classification: Uncertain significance. Last evaluated: 2024-01-23. Review status: criteria provided, single submitter. Criteria: GeneDx Variant Classification Process June 2021. Collection method: clinical testing. Allele origin: germline. Affected: yes.
Comment: Not observed at significant frequency in large population cohorts (gnomAD); In silico analysis supports that this missense variant does not alter protein structure/function; Has not been previously published as pathogenic or benign to our knowledge